The following is an entry in ClinVar:

ClinVar aggregate classification (germline): Likely benign. Review status: criteria provided, multiple submitters, no conflicts (2 of 4 stars). 8 submissions from 8 submitters: Likely benign (7). 1 of the submissions does not count toward it. Last evaluated 2026-01-06.

Conditions:
SRP72-related disorder. Also called: SRP72-related condition.
Autosomal dominant aplasia and myelodysplasia. Also called: Bone marrow failure syndrome 1. Identifiers: Orphanet 314399, MedGen C3808553, MONDO:0013851, OMIM 614675.

Allele frequency attached by ClinVar (database versions not stated): 1000 Genomes Project 30x 0.00016; 1000 Genomes Project 0.00020; gnomAD 0.00037 and 0.00040; TOPMed 0.00037; ExAC 0.00044; ESP Exome Variant Server 0.00046; gnomAD exomes 0.00047 and 0.00056.

Submissions (8):

Labcorp Genetics (formerly Invitae), Labcorp
Classification: Likely benign. Last evaluated: 2026-01-06. Review status: criteria provided, single submitter. Criteria: Invitae Variant Classification Sherloc (09022015). Collection method: clinical testing. Allele origin: germline.

Blueprint Genetics
Classification: Likely benign. Last evaluated: 2024-11-17. Review status: criteria provided, single submitter. Criteria: ACMG Guidelines, 2015. Collection method: clinical testing. Allele origin: germline.

Ambry Genetics
Classification: Likely benign. Last evaluated: 2024-10-02. Review status: criteria provided, single submitter. Criteria: Ambry Variant Classification Scheme 2023. Collection method: clinical testing. Allele origin: germline.

ARUP Laboratories, Molecular Genetics and Genomics, ARUP Laboratories
Classification: Likely benign for Autosomal dominant aplasia and myelodysplasia. Last evaluated: 2023-12-06. Review status: criteria provided, single submitter. Criteria: ARUP Molecular Germline Variant Investigation Process 2024. Collection method: clinical testing. Allele origin: germline.

CeGaT Center for Human Genetics Tuebingen
Classification: Likely benign. Last evaluated: 2022-06-01. Review status: criteria provided, single submitter. Criteria: CeGaT Center For Human Genetics Tuebingen Variant Classification Criteria Version 2. Collection method: clinical testing. Allele origin: germline. Affected: yes. Observed: 1 variant allele.
Comment: SRP72: BP4

Illumina Laboratory Services, Illumina
Classification: Likely benign for Autosomal dominant aplasia and myelodysplasia. Last evaluated: 2017-04-27. Review status: criteria provided, single submitter. Criteria: ICSL Variant Classification Criteria 13 December 2019. Collection method: clinical testing. Allele origin: germline.
Comment: This variant was observed as part of a predisposition screen in an ostensibly healthy population. A literature search was performed for the gene, cDNA change, and amino acid change (where applicable). No publications were found based on this search. Allele frequency data from public databases allowed determination this variant is unlikely to cause disease. Therefore, this variant is classified as likely benign.

Genetic Services Laboratory, University of Chicago
Classification: Likely benign. Last evaluated: 2016-10-27. Review status: criteria provided, single submitter. Criteria: ACMG Guidelines, 2015. Collection method: clinical testing. Allele origin: germline. Affected: no.

PreventionGenetics, part of Exact Sciences
Classification: Likely benign for SRP72-related condition. Last evaluated: 2019-04-18. Review status: no assertion criteria provided. Collection method: clinical testing. Allele origin: germline. Not counted in ClinVar's aggregate classification.
Comment: This variant is classified as likely benign based on ACMG/AMP sequence variant interpretation guidelines (Richards et al. 2015 PMID: 25741868, with internal and published modifications).

NM_006947.4(SRP72):c.1698T>C (p.Tyr566=)

Gene: SRP72 (signal recognition particle 72; plus strand). Cytogenetic location: 4q12.
Variant type: single nucleotide variant.
Coding change: c.1698T>C on transcript NM_006947.4 (MANE Select); coding-DNA position 1698, T replaced by C.
Protein change: p.Tyr566=; no amino-acid change (tyrosine 566 retained).
Molecular consequence: synonymous variant. On other transcripts: non-coding transcript variant (1).
Genome position (GRCh38, 1-based): chr4:56,500,555, T>C. VCF-style: chr4-56500555-T-C. GRCh37 (hg19) VCF-style: chr4-57366721-T-C.
Other names: c.1515T>C, p.Tyr505= (NM_001267722.2).
Identifiers: ClinVar variation 349132 (VCV000349132.45), dbSNP rs145347209, ClinGen allele CA2931464.